The following is an entry in ClinVar:

NM_032520.5(GNPTG):c.905G>A (p.Arg302His)

Gene: GNPTG (N-acetylglucosamine-1-phosphate transferase subunit gamma; plus strand). Cytogenetic location: 16p13.3.
Variant type: single nucleotide variant.
Coding change: c.905G>A on transcript NM_032520.5 (MANE Select); coding-DNA position 905, G replaced by A.
Protein change: p.Arg302His; replaces arginine 302 with histidine.
Molecular consequence: missense variant.
Genome position (GRCh38, 1-based): chr16:1,363,078, G>A. VCF-style: chr16-1363078-G-A. GRCh37 (hg19) VCF-style: chr16-1413079-G-A.
Other names: c.905G>A (NM_032520.4); short protein forms R302H.
Identifiers: ClinVar variation 2201238 (VCV002201238.2), dbSNP rs769262505, ClinGen allele CA7808028.
Genomic context (GRCh38, chr16:1,363,078, plus strand): 5'-TGGGCCACGAGACGCCCAGAGCCAAGTCTCCAGAGCAGCTGCGGGGTGACCCAGGACTGC[G>A]TGGGAGTTTGTGACCTTGTGGTGGGAGAGCAGAGGTGGACGCGGCCGAGAGCCCTACAGA-3'
Protein context (NP_115909.1, residues 292-305): PEQLRGDPGL[Arg302His]GSL

ClinVar aggregate classification (germline): Uncertain significance. Review status: criteria provided, multiple submitters, no conflicts (2 of 4 stars). 2 submissions from 2 submitters: Uncertain significance (2). Last evaluated 2025-08-21.

Conditions:
Inborn genetic diseases. Identifiers: MedGen C0950123, MeSH D030342.

Allele frequency attached by ClinVar (database versions not stated): gnomAD 0.00002; TOPMed 0.00003; gnomAD exomes 0.00004; ExAC 0.00009.
gnomAD v4.1: 66 of 1,613,724 alleles (0.0041%); highest among the groups gnomAD compares: East Asian, 0.011%; no homozygotes.

Submissions (2):

Ambry Genetics
Classification: Uncertain significance for Inborn genetic diseases. Last evaluated: 2025-08-21. Review status: criteria provided, single submitter. Criteria: Ambry Variant Classification Scheme 2023. Collection method: clinical testing. Allele origin: germline.

Labcorp Genetics (formerly Invitae), Labcorp
Classification: Uncertain significance. Last evaluated: 2022-08-31. Review status: criteria provided, single submitter. Criteria: Invitae Variant Classification Sherloc (09022015). Collection method: clinical testing. Allele origin: germline.
Comment: This sequence change replaces arginine, which is basic and polar, with histidine, which is basic and polar, at codon 302 of the GNPTG protein (p.Arg302His). This variant is present in population databases (rs769262505, gnomAD 0.01%). This variant has not been reported in the literature in individuals affected with GNPTG-related conditions. Algorithms developed to predict the effect of missense changes on protein structure and function output the following: SIFT: "Deleterious"; PolyPhen-2: "Benign"; Align-GVGD: "Class C0". The histidine amino acid residue is found in multiple mammalian species, which suggests that this missense change does not adversely affect protein function. In summary, the available evidence is currently insufficient to determine the role of this variant in disease. Therefore, it has been classified as a Variant of Uncertain Significance.